The following is an entry in ClinVar:

ClinVar aggregate classification (germline): Uncertain significance. Review status: criteria provided, multiple submitters, no conflicts (2 of 4 stars). 2 submissions from 2 submitters: Uncertain significance (2). Last evaluated 2024-07-01.

Allele frequency attached by ClinVar (database versions not stated): gnomAD 0.00015 and 0.00017; 1000 Genomes Project 0.00020; gnomAD exomes 0.00005 and 0.00006; ExAC 0.00008; TOPMed 0.00011.
gnomAD v4.1: 103 of 1,611,444 alleles (0.0064%); highest among the groups gnomAD compares: Middle Eastern, 0.033%; no homozygotes.

Submissions (2):

Labcorp Genetics (formerly Invitae), Labcorp
Classification: Uncertain significance. Last evaluated: 2024-07-01. Review status: criteria provided, single submitter. Criteria: Invitae Variant Classification Sherloc (09022015). Collection method: clinical testing. Allele origin: germline.
Comment: This sequence change replaces lysine, which is basic and polar, with glutamic acid, which is acidic and polar, at codon 355 of the RBBP8 protein (p.Lys355Glu). This variant is present in population databases (rs200956310, gnomAD 0.02%). This variant has not been reported in the literature in individuals affected with RBBP8-related conditions. ClinVar contains an entry for this variant (Variation ID: 1444167). Advanced modeling of protein sequence and biophysical properties (such as structural, functional, and spatial information, amino acid conservation, physicochemical variation, residue mobility, and thermodynamic stability) performed at Invitae indicates that this missense variant is not expected to disrupt RBBP8 protein function with a negative predictive value of 80%. In summary, the available evidence is currently insufficient to determine the role of this variant in disease. Therefore, it has been classified as a Variant of Uncertain Significance.

Revvity Omics, Revvity
Classification: Uncertain significance. Last evaluated: 2023-11-08. Review status: criteria provided, single submitter. Criteria: ACMG Guidelines, 2015. Collection method: clinical testing. Allele origin: germline.

NM_002894.3(RBBP8):c.1063A>G (p.Lys355Glu)

Gene: RBBP8 (RB binding protein 8, endonuclease; plus strand). Cytogenetic location: 18q11.2.
Variant type: single nucleotide variant.
Coding change: c.1063A>G on transcript NM_002894.3 (MANE Select); coding-DNA position 1063, A replaced by G.
Protein change: p.Lys355Glu; replaces lysine 355 with glutamic acid.
Molecular consequence: missense variant.
Genome position (GRCh38, 1-based): chr18:22,992,890, A>G. VCF-style: chr18-22992890-A-G. GRCh37 (hg19) VCF-style: chr18-20572853-A-G.
Other names: c.1063A>G, p.Lys355Glu (NM_203291.2, NM_203292.2); short protein forms K355E.
Identifiers: ClinVar variation 1444167 (VCV001444167.7), dbSNP rs200956310, ClinGen allele CA8910013.